The following is an entry in ClinVar:

NC_000011.9:g.(?_67810403)_(67810508_?)dup

Gene: TCIRG1 (T cell immune regulator 1, ATPase H+ transporting V0 subunit a3; plus strand). Cytogenetic location: 11q13.2.
Variant type: Duplication.
Identifiers: ClinVar variation 3244766 (VCV003244766.1).

ClinVar aggregate classification (germline): Likely pathogenic (1 of 4 stars; one submission).

Submission:

Labcorp Genetics (formerly Invitae), Labcorp
Classification: Likely pathogenic. Last evaluated: 2022-06-14. Review status: criteria provided, single submitter. Criteria: Invitae Variant Classification Sherloc (09022015). Collection method: clinical testing. Allele origin: unknown.
Comment: In summary, the currently available evidence indicates that the variant is pathogenic, but additional data are needed to prove that conclusively. Therefore, this variant has been classified as Likely Pathogenic. ClinVar contains an entry for this variant (Variation ID: 664264). This variant has not been reported in the literature in individuals affected with TCIRG1-related conditions. This variant results in a copy number gain of the genomic region encompassing exon(s) 5 of the TCIRG1 gene. While the exact position of this variant cannot be determined from the data, sub-genic copy number gains are generally in tandem (PMID: 25640679). This variant is predicted to be out-of-frame, and may result in an absent or disrupted protein product. Loss-of-function variants in TCIRG1 are known to be pathogenic (PMID: 10888887, 10942435, 11532986, 19448635).

Literature cited by the submitters: PubMed 25640679; PubMed 10888887; PubMed 10942435; PubMed 11532986; PubMed 19448635.